The following is an entry in ClinVar:

ClinVar aggregate classification (germline): Uncertain significance. Review status: criteria provided, multiple submitters, no conflicts (2 of 4 stars). 3 submissions from 3 submitters: Uncertain significance (2). 1 of the submissions does not count toward it. Last evaluated 2025-08-20.

Conditions:
Pulmonary fibrosis and/or bone marrow failure, Telomere-related, 3. Also called: PULMONARY FIBROSIS AND/OR BONE MARROW FAILURE SYNDROME, TELOMERE-RELATED, 3. Identifiers: Orphanet 2032, MedGen C4225346, MONDO:0014613, OMIM 616373.
Dyskeratosis congenita, autosomal recessive 5 (DKCB5). Identifiers: MedGen C3554656, MONDO:0014076, OMIM 615190.
Inborn genetic diseases. Identifiers: MedGen C0950123, MeSH D030342.
Dyskeratosis congenita. Identifiers: Orphanet 1775, MedGen C0265965, MONDO:0015780.

gnomAD v4.1: 10 of 1,613,984 alleles (0.00062%); highest among the groups gnomAD compares: Non-Finnish European, 0.00076%; no homozygotes.

Submissions (3):

Ambry Genetics
Classification: Uncertain significance for Inborn genetic diseases. Last evaluated: 2025-08-20. Review status: criteria provided, single submitter. Criteria: Ambry Variant Classification Scheme 2023. Collection method: clinical testing. Allele origin: germline.
Comment: The p.T104K variant (also known as c.311C>A), located in coding exon 3 of the RTEL1 gene, results from a C to A substitution at nucleotide position 311. The threonine at codon 104 is replaced by lysine, an amino acid with similar properties. This amino acid position is conserved. In addition, this alteration is predicted to be tolerated by in silico analysis. Based on the available evidence, the clinical significance of this variant remains unclear.

Labcorp Genetics (formerly Invitae), Labcorp
Classification: Uncertain significance for Dyskeratosis congenita, autosomal recessive 5; Pulmonary fibrosis and/or bone marrow failure, Telomere-related, 3. Last evaluated: 2021-09-01. Review status: criteria provided, single submitter. Criteria: Invitae Variant Classification Sherloc (09022015). Collection method: clinical testing. Allele origin: germline.
Comment: This sequence change replaces threonine with lysine at codon 104 of the RTEL1 protein (p.Thr104Lys). The threonine residue is moderately conserved and there is a moderate physicochemical difference between threonine and lysine. This variant is not present in population databases (ExAC no frequency). This variant has not been reported in the literature in individuals affected with RTEL1-related conditions. Algorithms developed to predict the effect of missense changes on protein structure and function (SIFT, PolyPhen-2, Align-GVGD) all suggest that this variant is likely to be tolerated. In summary, the available evidence is currently insufficient to determine the role of this variant in disease. Therefore, it has been classified as a Variant of Uncertain Significance.

Natera, Inc.
Classification: Uncertain significance for Dyskeratosis congenita. Last evaluated: 2020-08-20. Review status: no assertion criteria provided. Collection method: clinical testing. Allele origin: germline. Not counted in ClinVar's aggregate classification.

NM_001283009.2(RTEL1):c.311C>A (p.Thr104Lys)

Genes: RTEL1 (regulator of telomere elongation helicase 1; plus strand), RTEL1-TNFRSF6B (RTEL1-TNFRSF6B readthrough (NMD candidate); plus strand). Cytogenetic location: 20q13.33.
Variant type: single nucleotide variant.
Coding change: c.311C>A on transcript NM_001283009.2 (MANE Select); coding-DNA position 311, C replaced by A.
Protein change: p.Thr104Lys; replaces threonine 104 with lysine.
Molecular consequence: missense variant. On other transcripts: non-coding transcript variant (1), 5 prime UTR variant (1).
Genome position (GRCh38, 1-based): chr20:63,661,859, C>A. VCF-style: chr20-63661859-C-A. GRCh37 (hg19) VCF-style: chr20-62293212-C-A.
Other names: c.-359C>A (NM_001283010.1); c.311C>A, p.Thr104Lys (NM_016434.4, NM_032957.5); short protein forms T104K.
Identifiers: ClinVar variation 859171 (VCV000859171.9), dbSNP rs367809459, ClinGen allele CA409668542.
Genomic context (GRCh38, chr20:63,661,859, plus strand): 5'-GAGAACGTTGTCTGAGAACCGTGACTTCTGTGCTTGCTTGTGTCTGGTCAGCTTGCTACA[C>A]GGACATCCCAAAGATTATTTACGCCTCCAGGACCCACTCGCAACTCACACAGGTCATCAA-3'
Protein context (NP_001269938.1, residues 94-114): AAAGDPIACY[Thr104Lys]DIPKIIYASR